The following is an entry in ClinVar:

ClinVar aggregate classification (germline): Uncertain significance (1 of 4 stars; one submission).

Conditions:
Hereditary cancer-predisposing syndrome. Also called: Neoplastic Syndromes, Hereditary; Tumor predisposition; Hereditary neoplastic syndrome; Hereditary Cancer Syndrome. Identifiers: Orphanet 140162, MedGen C0027672, MeSH D009386, MONDO:0015356.

Submission:

Ambry Genetics
Classification: Uncertain significance for Hereditary cancer-predisposing syndrome. Last evaluated: 2026-07-01. Review status: criteria provided, single submitter. Criteria: Ambry Variant Classification Scheme 2023. Collection method: clinical testing. Allele origin: germline.
Comment: The p.P23A variant (also known as c.67C>G), located in coding exon 1 of the RB1 gene, results from a C to G substitution at nucleotide position 67. The proline at codon 23 is replaced by alanine, an amino acid with highly similar properties. This amino acid position is conserved. In addition, the in silico prediction for this alteration is inconclusive. Based on the available evidence, the clinical significance of this variant remains unclear.

NM_000321.3(RB1):c.67C>G (p.Pro23Ala)

Gene: RB1 (RB transcriptional corepressor 1; plus strand). Cytogenetic location: 13q14.2.
Variant type: single nucleotide variant.
Coding change: c.67C>G on transcript NM_000321.3 (MANE Select); coding-DNA position 67, C replaced by G.
Protein change: p.Pro23Ala; replaces proline 23 with alanine.
Molecular consequence: missense variant.
Genome position (GRCh38, 1-based): chr13:48,303,979, C>G. VCF-style: chr13-48303979-C-G. GRCh37 (hg19) VCF-style: chr13-48878115-C-G.
Other names: c.67C>G, p.Pro23Ala (NM_001407165.1, NM_001407166.1, NM_001407167.1); short protein forms P23A.
Identifiers: ClinVar variation 5027923 (VCV005027923.1).